The following is an entry in ClinVar:

NM_001148.6(ANK2):c.7242T>C (p.Pro2414=)

Genes: ANK2 (ankyrin 2; plus strand), LOC126807137 (CDK7 strongly-dependent group 2 enhancer GRCh37_chr4:114276560-114277759; plus strand). Cytogenetic location: 4q26.
Variant type: single nucleotide variant.
Coding change: c.7242T>C on transcript NM_001148.6 (MANE Select); coding-DNA position 7242, T replaced by C.
Protein change: p.Pro2414=; no amino-acid change (proline 2414 retained).
Molecular consequence: synonymous variant. On other transcripts: intron variant (68).
Genome position (GRCh38, 1-based): chr4:113,355,860, T>C. VCF-style: chr4-113355860-T-C. GRCh37 (hg19) VCF-style: chr4-114277016-T-C.
Other names: c.7008T>C, p.Pro2336= (NM_001386142.1); c.3642T>C, p.Pro1214= (NM_001386166.1); c.7383T>C, p.Pro2461= (NM_001386174.1); c.7359T>C, p.Pro2453= (NM_001386175.1); c.4412-4963T>C (NM_001386186.2, NM_001386148.2); c.4214-4963T>C (NM_001354269.3); c.4292-4963T>C (NM_001386187.2); c.4253-4963T>C (NM_001386147.1); and 35 more.
Identifiers: ClinVar variation 2655038 (VCV002655038.24), dbSNP rs2095729967, ClinGen allele CA440878728.

ClinVar aggregate classification (germline): Likely benign (1 of 4 stars; one submission).

Allele frequency attached by ClinVar (database versions not stated): gnomAD exomes below 0.00001; gnomAD 0.00001.
gnomAD v4.1: 5 of 1,613,948 alleles (0.00031%); highest among the groups gnomAD compares: South Asian, 0.0033%; no homozygotes.

Submission:

CeGaT Center for Human Genetics Tuebingen
Classification: Likely benign. Last evaluated: 2023-03-01. Review status: criteria provided, single submitter. Criteria: CeGaT Center For Human Genetics Tuebingen Variant Classification Criteria Version 2. Collection method: clinical testing. Allele origin: germline. Affected: yes. Observed: 1 variant allele.
Comment: ANK2: BP4, BP7